The following is an entry in ClinVar:

ClinVar aggregate classification (germline): Uncertain significance. Review status: criteria provided, multiple submitters, no conflicts (2 of 4 stars). 2 submissions from 2 submitters: Uncertain significance (2). Last evaluated 2022-10-24.

Submissions (2):

Labcorp Genetics (formerly Invitae), Labcorp
Classification: Uncertain significance. Last evaluated: 2022-10-24. Review status: criteria provided, single submitter. Criteria: Invitae Variant Classification Sherloc (09022015). Collection method: clinical testing. Allele origin: germline.
Comment: This variant has not been reported in the literature in individuals affected with GNAS-related conditions. This variant is not present in population databases (gnomAD no frequency). This sequence change replaces tyrosine, which is neutral and polar, with cysteine, which is neutral and slightly polar, at codon 360 of the GNAS protein (p.Tyr360Cys). Advanced modeling of protein sequence and biophysical properties (such as structural, functional, and spatial information, amino acid conservation, physicochemical variation, residue mobility, and thermodynamic stability) performed at Invitae indicates that this missense variant is expected to disrupt GNAS protein function. In summary, the available evidence is currently insufficient to determine the role of this variant in disease. Therefore, it has been classified as a Variant of Uncertain Significance.

Blueprint Genetics
Classification: Uncertain significance. Last evaluated: 2020-12-01. Review status: criteria provided, single submitter. Criteria: ACMG Guidelines, 2015. Collection method: clinical testing. Allele origin: germline.

NM_000516.7(GNAS):c.1079A>G (p.Tyr360Cys)

Gene: GNAS (GNAS complex locus; plus strand). Cytogenetic location: 20q13.32.
Variant type: single nucleotide variant.
Coding change: c.1079A>G on transcript NM_000516.7 (MANE Select); coding-DNA position 1079, A replaced by G.
Protein change: p.Tyr360Cys; replaces tyrosine 360 with cysteine.
Molecular consequence: missense variant. On other transcripts: 3 prime UTR variant (2).
Genome position (GRCh38, 1-based): chr20:58,910,723, A>G. VCF-style: chr20-58910723-A-G. GRCh37 (hg19) VCF-style: chr20-57485778-A-G.
Other names: c.1082A>G, p.Tyr361Cys (NM_001077488.5); c.1034A>G, p.Tyr345Cys (NM_001077489.4); c.*940A>G (NM_001077490.3); c.902A>G, p.Tyr301Cys (NM_001309840.2, NM_001309861.2); c.983A>G, p.Tyr328Cys (NM_001410912.1); c.2963A>G, p.Tyr988Cys (NM_001410913.1); c.*985A>G (NM_016592.5); c.3008A>G, p.Tyr1003Cys (NM_080425.4); and 1 more; short protein forms Y1003C, Y328C, Y361C, Y301C, Y345C, Y346C, Y360C, Y988C.
Identifiers: ClinVar variation 2096024 (VCV002096024.5), dbSNP rs2517295183, ClinGen allele CA409453771.